The following is an entry in ClinVar:

NM_000059.4(BRCA2):c.6842-23AT[2]

Gene: BRCA2 (BRCA2 DNA repair associated; plus strand). Cytogenetic location: 13q13.1.
Variant type: Microsatellite.
Coding change: c.6842-23AT[2] on transcript NM_000059.4 (MANE Select); two copies in a row of the 2-base unit AT starting at c.6842-23; the reference has three copies in a row; one copy, 2 bases deleted.
Molecular consequence: intron variant.
Genome position (GRCh38, 1-based): chr13:32,344,539-32,344,540, AT deleted; deleting any 2 consecutive bases within chr13:32,344,535-32,344,540 gives the same sequence; the position shown is the placement nearest the transcript's 3' end. VCF-style (leftmost placement, unchanged base first): chr13-32344534-CAT-C. GRCh37 (hg19) VCF-style: chr13-32918671-CAT-C.
Other names: IVS11-19delAT; c.6842-19_6842-18delAT (NM_000059.3).
Identifiers: ClinVar variation 52211 (VCV000052211.13), dbSNP rs276174884, ClinGen allele CA024502.

ClinVar aggregate classification (germline): Conflicting classifications of pathogenicity. Review status: criteria provided, conflicting classifications (1 of 4 stars). 4 submissions from 4 submitters: Uncertain significance (1); Likely benign (2). 1 of the submissions does not count toward it. Last evaluated 2024-04-05.

Conditions:
Hereditary breast ovarian cancer syndrome. Also called: Hereditary breast and ovarian cancer syndrome; Hereditary breast and ovarian cancer; Hereditary breast and ovarian cancer syndrome (HBOC); Breast and ovarian cancer; Hereditary breast and/or ovarian cancer syndrome; BRCA1- and BRCA2-Associated Hereditary Breast and Ovarian Cancer. Identifiers: Orphanet 145, MedGen C0677776, MeSH D061325, MONDO:0003582. Disease mechanism: loss of function.
Hereditary cancer-predisposing syndrome. Also called: Neoplastic Syndromes, Hereditary; Tumor predisposition; Hereditary neoplastic syndrome; Hereditary Cancer Syndrome. Identifiers: Orphanet 140162, MedGen C0027672, MeSH D009386, MONDO:0015356.
Breast-ovarian cancer, familial, susceptibility to, 2 (BROVCA2). Also called: BRCA2 Hereditary Breast and Ovarian Cancer. Identifiers: Orphanet 145, MedGen C2675520, MONDO:0012933, OMIM 612555. Disease mechanism: loss of function.

Submissions (4):

Labcorp Genetics (formerly Invitae), Labcorp
Classification: Likely benign for Hereditary breast ovarian cancer syndrome. Last evaluated: 2024-04-05. Review status: criteria provided, single submitter. Criteria: Invitae Variant Classification Sherloc (09022015). Collection method: clinical testing. Allele origin: germline.

Color Diagnostics, LLC DBA Color Health
Classification: Likely benign for Hereditary cancer-predisposing syndrome. Last evaluated: 2019-04-22. Review status: criteria provided, single submitter. Criteria: ACMG Guidelines, 2015. Collection method: clinical testing. Allele origin: germline.

GeneDx
Classification: Uncertain significance. Last evaluated: 2015-11-11. Review status: criteria provided, single submitter. Criteria: GeneDx Variant Classification (06012015). Collection method: clinical testing. Allele origin: germline. Affected: yes.
Comment: This variant is denoted BRCA2 c.6842-19_6842-18delATor IVS11-19_IVS11-18delAT and consists of a deletion of two nucleotides at the -18 to -19 position in intron 11 of the BRCA2 gene. The normal sequence with the bases that are deleted in braces is atat[at]gaaa. Multiple in silico models predict this variant to weaken the nearby natural acceptor site, and to possibly cause abnormal gene splicing. However, in the absence of RNA or functional studies, the actual effect of this variant is unknown. BRCA2 c.6842-19_6842-18delAT was not observed in approximately 6,500 individuals of European and African American ancestry in the NHLBI Exome Sequencing Project, indicating it is not a common benign variant in these populations. This variant has not, to our knowledge, been published in the literature as pathogenic or benign. The nucleotides that are deleted are not conserved across species. Based on currently available information, it is unclear whether BRCA2 c.6842-19_6842-18delAT is a pathogenic or benign variant. We consider it to be a variant of uncertain significance.

Breast Cancer Information Core (BIC) (BRCA2)
Classification: Uncertain significance for Breast-ovarian cancer, familial 2. Last evaluated: 2001-10-29. Review status: no assertion criteria provided. Collection method: clinical testing. Allele origin: germline. Affected: yes. Observed: 1 variant allele. Not counted in ClinVar's aggregate classification.